The following is an entry in ClinVar:

ClinVar aggregate classification (germline): Uncertain significance (1 of 4 stars; one submission).

Conditions:
Inborn genetic diseases. Identifiers: MedGen C0950123, MeSH D030342.

gnomAD v4.1: 8 of 1,614,180 alleles (0.0005%); highest among the groups gnomAD compares: Middle Eastern, 0.016%; no homozygotes.

Submission:

Ambry Genetics
Classification: Uncertain significance for Inborn genetic diseases. Last evaluated: 2020-12-08. Review status: criteria provided, single submitter. Criteria: Ambry Variant Classification Scheme 2023. Collection method: clinical testing. Allele origin: germline.
Comment: The c.1705G>A (p.V569I) alteration is located in exon 17 (coding exon 17) of the VARS2 gene. This alteration results from a G to A substitution at nucleotide position 1705, causing the valine (V) at amino acid position 569 to be replaced by an isoleucine (I). The p.V569I alteration is predicted to be tolerated by in silico analysis. Based on insufficient or conflicting evidence, the clinical significance of this alteration remains unclear.

NM_020442.6(VARS2):c.1615G>A (p.Val539Ile)

Gene: VARS2 (valyl-tRNA synthetase 2, mitochondrial; plus strand). Cytogenetic location: 6p21.33.
Variant type: single nucleotide variant.
Coding change: c.1615G>A on transcript NM_020442.6 (MANE Select); coding-DNA position 1615, G replaced by A.
Protein change: p.Val539Ile; replaces valine 539 with isoleucine.
Molecular consequence: missense variant.
Genome position (GRCh38, 1-based): chr6:30,921,288, G>A. VCF-style: chr6-30921288-G-A. GRCh37 (hg19) VCF-style: chr6-30889065-G-A.
Other names: c.1195G>A, p.Val399Ile (NM_001167733.3); c.1705G>A, p.Val569Ile (NM_001167734.2); short protein forms V399I, V539I, V569I.
Identifiers: ClinVar variation 2228241 (VCV002228241.2), dbSNP rs200004723, ClinGen allele CA363173676.